The following is an entry in ClinVar:

NM_002519.3(NPAT):c.1417A>C (p.Asn473His)

Gene: NPAT (nuclear protein, coactivator of histone transcription; minus strand). Cytogenetic location: 11q22.3.
Variant type: single nucleotide variant.
Coding change: c.1417A>C on transcript NM_002519.3 (MANE Select); coding-DNA position 1417, A replaced by C.
Protein change: p.Asn473His; replaces asparagine 473 with histidine.
Molecular consequence: missense variant.
Genome position (GRCh38, 1-based): chr11:108,173,567, T>G on the plus strand (A>C on the coding strand, the complement: NPAT is on the minus strand). VCF-style: chr11-108173567-T-G. GRCh37 (hg19) VCF-style: chr11-108044294-T-G.
Other names: c.1417A>C, p.Asn473His (NM_001321307.1); short protein forms N473H.
Identifiers: ClinVar variation 3300710 (VCV003300710.1).

ClinVar aggregate classification (germline): Uncertain significance (1 of 4 stars; one submission).

Submission:

Ambry Genetics
Classification: Uncertain significance. Last evaluated: 2024-06-05. Review status: criteria provided, single submitter. Criteria: Ambry Variant Classification Scheme 2023. Collection method: clinical testing. Allele origin: germline.
Comment: The p.N473H variant (also known as c.1417A>C), located in coding exon 13 of the NPAT gene, results from an A to C substitution at nucleotide position 1417. The asparagine at codon 473 is replaced by histidine, an amino acid with similar properties. This amino acid position is conserved. In addition, this alteration is predicted to be tolerated by in silico analysis. Based on the available evidence, the clinical significance of this variant remains unclear.